The following is an entry in ClinVar:

ClinVar aggregate classification (germline): Uncertain significance (1 of 4 stars; one submission).

Conditions:
X-linked immunodeficiency with magnesium defect, Epstein-Barr virus infection and neoplasia. Identifiers: Orphanet 317476, MedGen C3275445, MONDO:0010455, OMIM 300853.

gnomAD v4.1: 2 of 1,206,953 alleles (0.00017%); highest among the groups gnomAD compares: South Asian, 0.0018%; no homozygotes.

Submission:

Labcorp Genetics (formerly Invitae), Labcorp
Classification: Uncertain significance for X-linked immunodeficiency with magnesium defect, Epstein-Barr virus infection and neoplasia. Last evaluated: 2025-04-23. Review status: criteria provided, single submitter. Criteria: Invitae Variant Classification Sherloc (09022015). Collection method: clinical testing. Allele origin: germline.
Comment: This sequence change replaces proline, which is neutral and non-polar, with leucine, which is neutral and non-polar, at codon 101 of the MAGT1 protein (p.Pro101Leu). This variant is present in population databases (rs781839181, gnomAD 0.005%). This variant has not been reported in the literature in individuals affected with MAGT1-related conditions. Invitae Evidence Modeling of protein sequence and biophysical properties (such as structural, functional, and spatial information, amino acid conservation, physicochemical variation, residue mobility, and thermodynamic stability) indicates that this missense variant is expected to disrupt MAGT1 protein function with a positive predictive value of 80%. In summary, the available evidence is currently insufficient to determine the role of this variant in disease. Therefore, it has been classified as a Variant of Uncertain Significance.

NM_001367916.1(MAGT1):c.206C>T (p.Pro69Leu)

Gene: MAGT1 (magnesium transporter 1; minus strand). Cytogenetic location: Xq21.1.
Variant type: single nucleotide variant.
Coding change: c.206C>T on transcript NM_001367916.1 (MANE Select); coding-DNA position 206, C replaced by T.
Protein change: p.Pro69Leu; replaces proline 69 with leucine.
Molecular consequence: missense variant.
Genome position (GRCh38, 1-based): chrX:77,875,494, G>A on the plus strand (C>T on the coding strand, the complement: MAGT1 is on the minus strand). VCF-style: chrX-77875494-G-A. GRCh37 (hg19) VCF-style: chrX-77130991-G-A.
Other names: c.302C>T, p.Pro101Leu (NM_032121.5); short protein forms P101L, P69L.
Identifiers: ClinVar variation 4770138 (VCV004770138.1).